The following is an entry in ClinVar:

ClinVar aggregate classification (germline): Uncertain significance (1 of 4 stars; one submission).

Conditions:
Immunodeficiency 104. Also called: Severe combined immunodeficiency, autosomal recessive, T cell-negative, B cell-positive, NK cell-positive; SCID, AUTOSOMAL RECESSIVE, T CELL-NEGATIVE, B CELL-POSITIVE, NK CELL-POSITIVE; Severe Combined Immune Deficiency, Autosomal Recessive, TCell -Negative, B Cell-Positive, NK Cell-Positive, IL7R-Related; IMMUNODEFICIENCY 104, SEVERE COMBINED. Identifiers: MedGen C5676890, MONDO:0012163, OMIM 608971.

Submission:

Labcorp Genetics (formerly Invitae), Labcorp
Classification: Uncertain significance for Immunodeficiency 104. Last evaluated: 2018-05-09. Review status: criteria provided, single submitter. Criteria: Invitae Variant Classification Sherloc (09022015). Collection method: clinical testing. Allele origin: germline.
Comment: In summary, the available evidence is currently insufficient to determine the role of this variant in disease. Therefore, it has been classified as a Variant of Uncertain Significance. Algorithms developed to predict the effect of missense changes on protein structure and function output the following: SIFT: "Tolerated"; PolyPhen-2: "Benign"; Align-GVGD: "Class C0". The alanine amino acid residue is found in multiple mammalian species, suggesting that this missense change does not adversely affect protein function. These predictions have not been confirmed by published functional studies and their clinical significance is uncertain. This variant has not been reported in the literature in individuals with PTPRC-related disease. This variant is not present in population databases (ExAC no frequency). This sequence change replaces threonine with alanine at codon 335 of the PTPRC protein (p.Thr335Ala). The threonine residue is weakly conserved and there is a small physicochemical difference between threonine and alanine.

NM_002838.5(PTPRC):c.1003A>G (p.Thr335Ala)

Gene: PTPRC (protein tyrosine phosphatase receptor type C; plus strand). Cytogenetic location: 1q32.1.
Variant type: single nucleotide variant.
Coding change: c.1003A>G on transcript NM_002838.5 (MANE Select); coding-DNA position 1003, A replaced by G.
Protein change: p.Thr335Ala; replaces threonine 335 with alanine.
Molecular consequence: missense variant.
Genome position (GRCh38, 1-based): chr1:198,708,231, A>G. VCF-style: chr1-198708231-A-G. GRCh37 (hg19) VCF-style: chr1-198677360-A-G.
Other names: c.520A>G, p.Thr174Ala (NM_080921.4); short protein forms T335A, T174A.
Identifiers: ClinVar variation 570602 (VCV000570602.9), dbSNP rs1558012466, ClinGen allele CA344034804.